The following is an entry in ClinVar:

NM_000038.6(APC):c.5818A>C (p.Ile1940Leu)

Gene: APC (APC regulator of Wnt signaling pathway; plus strand). Cytogenetic location: 5q22.2.
Variant type: single nucleotide variant.
Coding change: c.5818A>C on transcript NM_000038.6 (MANE Select); coding-DNA position 5818, A replaced by C.
Protein change: p.Ile1940Leu; replaces isoleucine 1940 with leucine.
Molecular consequence: missense variant.
Genome position (GRCh38, 1-based): chr5:112,841,412, A>C. VCF-style: chr5-112841412-A-C. GRCh37 (hg19) VCF-style: chr5-112177109-A-C.
Other names: c.5818A>C, p.Ile1940Leu (NM_001127510.3, NM_001354895.2); c.5764A>C, p.Ile1922Leu (NM_001127511.3); c.5872A>C, p.Ile1958Leu (NM_001354896.2); c.5848A>C, p.Ile1950Leu (NM_001354897.2); c.5743A>C, p.Ile1915Leu (NM_001354898.2); c.5734A>C, p.Ile1912Leu (NM_001354899.2); c.5695A>C, p.Ile1899Leu (NM_001354900.2); c.5641A>C, p.Ile1881Leu (NM_001354901.2); and 5 more; short protein forms I1657L, I1814L, I1881L, I1780L, I1839L, I1849L, I1899L, I1912L.
Identifiers: ClinVar variation 825992 (VCV000825992.11), dbSNP rs544669011, ClinGen allele CA16034059.

ClinVar aggregate classification (germline): Uncertain significance. Review status: criteria provided, multiple submitters, no conflicts (2 of 4 stars). 3 submissions from 3 submitters: Uncertain significance (3). Last evaluated 2025-09-10.

Conditions:
Familial adenomatous polyposis 1 (FAP1). Also called: POLYPOSIS, ADENOMATOUS INTESTINAL; FAMILIAL ADENOMATOUS POLYPOSIS 1, ATTENUATED. Identifiers: MedGen C2713442, MONDO:0021056, OMIM 175100. Disease mechanism: loss of function.
Hereditary cancer-predisposing syndrome. Also called: Neoplastic Syndromes, Hereditary; Tumor predisposition; Hereditary neoplastic syndrome; Hereditary Cancer Syndrome. Identifiers: Orphanet 140162, MedGen C0027672, MeSH D009386, MONDO:0015356.

Submissions (3):

Labcorp Genetics (formerly Invitae), Labcorp
Classification: Uncertain significance for Familial adenomatous polyposis 1. Last evaluated: 2025-09-10. Review status: criteria provided, single submitter. Criteria: Invitae Variant Classification Sherloc (09022015). Collection method: clinical testing. Allele origin: germline.
Comment: This sequence change replaces isoleucine, which is neutral and non-polar, with leucine, which is neutral and non-polar, at codon 1940 of the APC protein (p.Ile1940Leu). This variant is not present in population databases (gnomAD no frequency). This variant has not been reported in the literature in individuals affected with APC-related conditions. ClinVar contains an entry for this variant (Variation ID: 825992). Invitae Evidence Modeling of protein sequence and biophysical properties (such as structural, functional, and spatial information, amino acid conservation, physicochemical variation, residue mobility, and thermodynamic stability) indicates that this missense variant is not expected to disrupt APC protein function with a negative predictive value of 95%. In summary, the available evidence is currently insufficient to determine the role of this variant in disease. Therefore, it has been classified as a Variant of Uncertain Significance.

GeneDx
Classification: Uncertain significance. Last evaluated: 2022-05-17. Review status: criteria provided, single submitter. Criteria: GeneDx Variant Classification Process June 2021. Collection method: clinical testing. Allele origin: germline. Affected: yes.
Comment: Not observed at significant frequency in large population cohorts (gnomAD); In silico analysis supports that this missense variant does not alter protein structure/function; Has not been previously published as pathogenic or benign to our knowledge; This variant is associated with the following publications: (PMID: 18199528, 27535533)

Ambry Genetics
Classification: Uncertain significance for Hereditary cancer-predisposing syndrome. Last evaluated: 2017-12-20. Review status: criteria provided, single submitter. Criteria: Ambry Variant Classification Scheme 2023. Collection method: clinical testing. Allele origin: germline.
Comment: The p.I1940L variant (also known as c.5818A>C), located in coding exon 15 of the APC gene, results from an A to C substitution at nucleotide position 5818. The isoleucine at codon 1940 is replaced by leucine, an amino acid with highly similar properties. This amino acid position is poorly conserved in available vertebrate species. In addition, in silico predictors for this gene do not accurately predict pathogenicity. Since supporting evidence is limited at this time, the clinical significance of this alteration remains unclear.